The following is an entry in ClinVar:

NM_020708.5(SLC12A5):c.240G>A (p.Glu80=)

Gene: SLC12A5 (solute carrier family 12 member 5; plus strand). Cytogenetic location: 20q13.12.
Variant type: single nucleotide variant.
Coding change: c.240G>A on transcript NM_020708.5 (MANE Select); coding-DNA position 240, G replaced by A.
Protein change: p.Glu80=; no amino-acid change (glutamic acid 80 retained).
Molecular consequence: synonymous variant.
Genome position (GRCh38, 1-based): chr20:46,035,496, G>A. VCF-style: chr20-46035496-G-A. GRCh37 (hg19) VCF-style: chr20-44664135-G-A.
Other names: c.309G>A, p.Glu103= (NM_001134771.2).
Identifiers: ClinVar variation 3390197 (VCV003390197.14).

ClinVar aggregate classification (germline): Likely benign (1 of 4 stars; one submission).

gnomAD v4.1: 4 of 1,613,876 alleles (0.00025%); highest among the groups gnomAD compares: Non-Finnish European, 0.00034%; no homozygotes.

Submission:

CeGaT Center for Human Genetics Tuebingen
Classification: Likely benign. Last evaluated: 2024-11-01. Review status: criteria provided, single submitter. Criteria: CeGaT Center For Human Genetics Tuebingen Variant Classification Criteria Version 2. Collection method: clinical testing. Allele origin: germline. Affected: yes. Observed: 1 variant allele.
Comment: SLC12A5: BP4, BP7